The following is an entry in ClinVar:

NM_001282531.3(ADNP):c.208C>A (p.Arg70=)

Gene: ADNP (activity dependent neuroprotector homeobox; minus strand). Cytogenetic location: 20q13.13.
Variant type: single nucleotide variant.
Coding change: c.208C>A on transcript NM_001282531.3 (MANE Select); coding-DNA position 208, C replaced by A.
Protein change: p.Arg70=; no amino-acid change (arginine 70 retained).
Molecular consequence: synonymous variant.
Genome position (GRCh38, 1-based): chr20:50,894,506, G>T on the plus strand (C>A on the coding strand, the complement: ADNP is on the minus strand). VCF-style: chr20-50894506-G-T. GRCh37 (hg19) VCF-style: chr20-49511043-G-T.
Other names: c.208C>A, p.Arg70= (NM_001282532.2, NM_001347511.2, NM_015339.5 and 1 more transcripts).
Identifiers: ClinVar variation 2007475 (VCV002007475.4), dbSNP rs2122765532, ClinGen allele CA510881596.

ClinVar aggregate classification (germline): Uncertain significance (1 of 4 stars; one submission).

Submission:

Labcorp Genetics (formerly Invitae), Labcorp
Classification: Uncertain significance. Last evaluated: 2022-06-17. Review status: criteria provided, single submitter. Criteria: Invitae Variant Classification Sherloc (09022015). Collection method: clinical testing. Allele origin: germline.
Comment: In summary, the available evidence is currently insufficient to determine the role of this variant in disease. Therefore, it has been classified as a Variant of Uncertain Significance. Experimental studies and prediction algorithms are not available or were not evaluated, and the effect of this variant on mRNA splicing is currently unknown. This variant has not been reported in the literature in individuals affected with ADNP-related conditions. This variant is not present in population databases (gnomAD no frequency). This sequence change affects codon 70 of the ADNP mRNA. It is a 'silent' change, meaning that it does not change the encoded amino acid sequence of the ADNP protein.